The following is an entry in ClinVar:

ClinVar aggregate classification (germline): Uncertain significance (1 of 4 stars; one submission).

Conditions:
Hereditary cancer-predisposing syndrome. Also called: Tumor predisposition; Neoplastic Syndromes, Hereditary; Hereditary Cancer Syndrome; Hereditary neoplastic syndrome. Identifiers: Orphanet 140162, MedGen C0027672, MeSH D009386, MONDO:0015356.

Submission:

Ambry Genetics
Classification: Uncertain significance for Hereditary cancer-predisposing syndrome. Last evaluated: 2024-10-14. Review status: criteria provided, single submitter. Criteria: Ambry Variant Classification Scheme 2023. Collection method: clinical testing. Allele origin: germline.
Comment: The p.S103A variant (also known as c.307T>G), located in coding exon 2 of the FLCN gene, results from a T to G substitution at nucleotide position 307. The serine at codon 103 is replaced by alanine, an amino acid with similar properties. This amino acid position is conserved. In addition, the in silico prediction for this alteration is inconclusive. Based on the available evidence, the clinical significance of this variant remains unclear.

NM_144997.7(FLCN):c.307T>G (p.Ser103Ala)

Gene: FLCN (folliculin; minus strand). Cytogenetic location: 17p11.2.
Variant type: single nucleotide variant.
Coding change: c.307T>G on transcript NM_144997.7 (MANE Select); coding-DNA position 307, T replaced by G.
Protein change: p.Ser103Ala; replaces serine 103 with alanine.
Molecular consequence: missense variant.
Genome position (GRCh38, 1-based): chr17:17,226,265, A>C on the plus strand (T>G on the coding strand, the complement: FLCN is on the minus strand). VCF-style: chr17-17226265-A-C. GRCh37 (hg19) VCF-style: chr17-17129579-A-C.
Other names: c.307T>G, p.Ser103Ala (NM_001353229.2, NM_001353230.2, NM_001353231.2 and 1 more transcripts); short protein forms S103A.
Identifiers: ClinVar variation 3515656 (VCV003515656.1).